The following is an entry in ClinVar:

NM_004336.5(BUB1):c.1661G>C (p.Gly554Ala)

Gene: BUB1 (BUB1 mitotic checkpoint serine/threonine kinase; minus strand). Cytogenetic location: 2q13.
Variant type: single nucleotide variant.
Coding change: c.1661G>C on transcript NM_004336.5 (MANE Select); coding-DNA position 1661, G replaced by C.
Protein change: p.Gly554Ala; replaces glycine 554 with alanine.
Molecular consequence: missense variant.
Genome position (GRCh38, 1-based): chr2:110,657,073, C>G on the plus strand (G>C on the coding strand, the complement: BUB1 is on the minus strand). VCF-style: chr2-110657073-C-G. GRCh37 (hg19) VCF-style: chr2-111414650-C-G.
Other names: c.1601G>C, p.Gly534Ala (NM_001278616.2); c.1661G>C, p.Gly554Ala (NM_001278617.2); short protein forms G534A, G554A.
Identifiers: ClinVar variation 1777496 (VCV001777496.2), dbSNP rs1689953241, ClinGen allele CA348211414.

ClinVar aggregate classification (germline): Uncertain significance (1 of 4 stars; one submission).

Allele frequency attached by ClinVar (database versions not stated): gnomAD exomes below 0.00001.

Submission:

Ambry Genetics
Classification: Uncertain significance. Last evaluated: 2022-10-09. Review status: criteria provided, single submitter. Criteria: Ambry Variant Classification Scheme 2023. Collection method: clinical testing. Allele origin: germline.
Comment: The p.G554A variant (also known as c.1661G>C), located in coding exon 15 of the BUB1 gene, results from a G to C substitution at nucleotide position 1661. The glycine at codon 554 is replaced by alanine, an amino acid with similar properties. This amino acid position is conserved. In addition, the in silico prediction for this alteration is inconclusive. Since supporting evidence is limited at this time, the clinical significance of this alteration remains unclear.